The following is an entry in ClinVar:

ClinVar aggregate classification (germline): Uncertain significance (1 of 4 stars; one submission).

Submission:

GeneDx
Classification: Uncertain significance. Last evaluated: 2022-05-16. Review status: criteria provided, single submitter. Criteria: GeneDx Variant Classification Process June 2021. Collection method: clinical testing. Allele origin: germline. Affected: yes.
Comment: Not observed at significant frequency in large population cohorts (gnomAD); In silico analysis supports a deleterious effect on protein structure/function; Has not been previously published as pathogenic or benign to our knowledge

NM_001164508.2(NEB):c.6922_6928delinsAACAAAA (p.Tyr2308_Gln2310delinsAsnLysLys)

Gene: NEB (nebulin; minus strand). Cytogenetic location: 2q23.3.
Variant type: Indel.
Coding change: c.6922_6928delinsAACAAAA on transcript NM_001164508.2 (MANE Select); coding-DNA positions 6922 to 6928, TACAAAC replaced by AACAAAA.
Protein change: p.Tyr2308_Gln2310delinsAsnLysLys.
Molecular consequence: missense variant.
Genome position (GRCh38, 1-based): chr2:151,650,873-151,650,879, GTTTGTA replaced by TTTTGTT on the plus strand (TACAAAC replaced by AACAAAA on the coding strand, the reverse complement: NEB is on the minus strand). VCF-style: chr2-151650873-GTTTGTA-TTTTGTT. GRCh37 (hg19) VCF-style: chr2-152507387-GTTTGTA-TTTTGTT.
Other names: c.6922_6928delinsAACAAAA, p.Tyr2308_Gln2310delinsAsnLysLys (NM_001164507.2, NM_001271208.2, NM_004543.5); c.6922_6928delTACAAACinsAACAAAA, p.Tyr2308_Gln2310delinsAsnLysLys (NM_001271208.1).
Identifiers: ClinVar variation 1800807 (VCV001800807.1), dbSNP rs2552249999, ClinGen allele CA2580064182.